The following is an entry in ClinVar:

NM_000038.6(APC):c.934-2A>G

Gene: APC (APC regulator of Wnt signaling pathway; plus strand). Cytogenetic location: 5q22.2.
Variant type: single nucleotide variant.
Coding change: c.934-2A>G on transcript NM_000038.6 (MANE Select); the canonical splice acceptor site of the intron before coding-DNA position 934, A replaced by G.
Molecular consequence: splice acceptor variant. On other transcripts: intron variant (15).
Genome position (GRCh38, 1-based): chr5:112,818,964, A>G. VCF-style: chr5-112818964-A-G. GRCh37 (hg19) VCF-style: chr5-112154661-A-G.
Other names: c.85-2A>G (NM_001407470.1, NM_001354906.2); c.85-305A>G (NM_001407472.1, NM_001407471.1); c.934-2A>G (NM_001407447.1, NM_001354895.2, NM_001407448.1 and 4 more transcripts); c.934-305A>G (NM_001407456.1, NM_001407460.1, NM_001407457.1 and 5 more transcripts); c.850-2A>G (NM_001407452.1, NM_001354899.2); c.850-305A>G (NM_001407469.1, NM_001407467.1); c.964-2A>G (NM_001407446.1, NM_001354897.2); c.964-305A>G (NM_001354902.2); and 5 more.
Identifiers: ClinVar variation 470155 (VCV000470155.23), dbSNP rs1554079938, ClinGen allele CA360619186.
Genomic context (GRCh38, chr5:112,818,964, plus strand): 5'-TTGGTTTTTGGCTTTTGGATATTAAAGTCGTAATTTTGTTTCTAAACTCATTTGGCCCAC[A>G]GGTGGAAATGGTGTATTCATTGTTGTCAATGCTTGGTACTCATGATAAGGATGATATGTC-3'

ClinVar aggregate classification (germline): Uncertain significance. Review status: criteria provided, multiple submitters, no conflicts (2 of 4 stars). 5 submissions from 5 submitters: Uncertain significance (5). Last evaluated 2025-11-20.

Conditions:
Familial adenomatous polyposis 1 (FAP1). Also called: POLYPOSIS, ADENOMATOUS INTESTINAL; FAMILIAL ADENOMATOUS POLYPOSIS 1, ATTENUATED. Identifiers: MedGen C2713442, MONDO:0021056, OMIM 175100. Disease mechanism: loss of function.
Hereditary cancer-predisposing syndrome. Also called: Hereditary neoplastic syndrome; Neoplastic Syndromes, Hereditary; Tumor predisposition; Hereditary Cancer Syndrome. Identifiers: Orphanet 140162, MedGen C0027672, MeSH D009386, MONDO:0015356.
Classic or attenuated familial adenomatous polyposis. Identifiers: MedGen CN372698, MONDO:0021057.

Submissions (5):

Labcorp Genetics (formerly Invitae), Labcorp
Classification: Uncertain significance for Familial adenomatous polyposis 1. Last evaluated: 2025-11-20. Review status: criteria provided, single submitter. Criteria: Invitae Variant Classification Sherloc (09022015). Collection method: clinical testing. Allele origin: germline.
Comment: This sequence change affects an acceptor splice site in intron 9 of the APC gene. It is expected to disrupt RNA splicing. Variants that disrupt the donor or acceptor splice site typically lead to a loss of protein function (PMID: 16199547), and loss-of-function variants in APC are known to be pathogenic (PMID: 17963004, 20685668). This variant is not present in population databases (gnomAD no frequency). This variant has not been reported in the literature in individuals affected with APC-related conditions. ClinVar contains an entry for this variant (Variation ID: 470155). Studies have shown that disruption of this splice site is associated with altered splicing resulting in multiple RNA products (internal data). In summary, the available evidence is currently insufficient to determine the role of this variant in disease. Therefore, it has been classified as a Variant of Uncertain Significance.

Ambry Genetics
Classification: Uncertain significance for Hereditary cancer-predisposing syndrome. Last evaluated: 2025-02-21. Review status: criteria provided, single submitter. Criteria: Ambry Variant Classification Scheme 2023. Collection method: clinical testing. Allele origin: germline.
Comment: The c.934-2A>G intronic variant results from an A to G substitution two nucleotides upstream from coding exon 9 in the APC gene. This nucleotide position is highly conserved in available vertebrate species. In silico splice site analysis predicts that this alteration will weaken the native splice acceptor site. Alterations that disrupt the canonical splice site are expected to cause aberrant splicing, resulting in an abnormal protein or a transcript that is subject to nonsense-mediated mRNA decay. However, APC can utilize a splice acceptor site within coding exon 9 instead of the splice acceptor at c.934 leading to an in-frame, naturally occurring splice isoform (Joslyn G et al. Cell, 1991 Aug;66:601-13). This 'exon 9a' isoform is co-expressed with full-length APC in many tissues, although the full-length isoform is more abundant in almost all tested tissues (Groden J et al. Cell, 1991 Aug;66:589-600). RNA studies have demonstrated that this alteration results in both exon 9 skipping and the use of this alternate in-frame acceptor site; however the clinical impact of this abnormal splicing is unknown at this time (Ambry internal data). Since supporting evidence is limited at this time, the clinical significance of this alteration remains unclear.

GeneDx
Classification: Uncertain significance. Last evaluated: 2023-05-30. Review status: criteria provided, single submitter. Criteria: GeneDx Variant Classification Process June 2021. Collection method: clinical testing. Allele origin: germline. Affected: yes.
Comment: Not observed at significant frequency in large population cohorts (gnomAD); Canonical splice site variant with an unclear effect on protein function; Has not been previously published as pathogenic or benign to our knowledge; Also known as IVS8-2A>G; This variant is associated with the following publications: (PMID: 1651174, 9012479, 19029688, 7490101, 16199547, 17963004, 20685668, 1678319)

All of Us Research Program, National Institutes of Health
Classification: Uncertain significance for Classic or attenuated familial adenomatous polyposis. Last evaluated: 2023-04-27. Review status: criteria provided, single submitter. Criteria: ACMG Guidelines, 2015. Collection method: clinical testing. Allele origin: germline. Inheritance: Autosomal dominant inheritance. Observed: 1 variant allele, 1 heterozygote.
Comment: This study involves interpretation of variants in research participants for the purpose of population health screening. Participant phenotype was not available at the time of variant classification. Additional details can be found in publication PMID: 35346344, PMCID: PMC8962531

Color Diagnostics, LLC DBA Color Health
Classification: Uncertain significance for Hereditary cancer-predisposing syndrome. Last evaluated: 2019-01-10. Review status: criteria provided, single submitter. Criteria: ACMG Guidelines, 2015. Collection method: clinical testing. Allele origin: germline.

Literature cited by the submitters: PubMed 16199547 (cited by Labcorp Genetics (formerly Invitae), Labcorp); PubMed 17963004 (cited by Labcorp Genetics (formerly Invitae), Labcorp); PubMed 20685668 (cited by Labcorp Genetics (formerly Invitae), Labcorp); PubMed 1651174 (cited by Ambry Genetics); PubMed 1678319 (cited by Ambry Genetics); PubMed 19029688 (cited by Ambry Genetics); PubMed 7490101 (cited by Ambry Genetics).